The following is an entry in ClinVar:

NM_004360.5(CDH1):c.2152C>T (p.Leu718Phe)

Gene: CDH1 (cadherin 1; plus strand). Cytogenetic location: 16q22.1.
Variant type: single nucleotide variant.
Coding change: c.2152C>T on transcript NM_004360.5 (MANE Select); coding-DNA position 2152, C replaced by T.
Protein change: p.Leu718Phe; replaces leucine 718 with phenylalanine.
Molecular consequence: missense variant.
Genome position (GRCh38, 1-based): chr16:68,823,614, C>T. VCF-style: chr16-68823614-C-T. GRCh37 (hg19) VCF-style: chr16-68857517-C-T.
Other names: c.1969C>T, p.Leu657Phe (NM_001317184.2); c.604C>T, p.Leu202Phe (NM_001317185.2); c.187C>T, p.Leu63Phe (NM_001317186.2); short protein forms L202F, L63F, L657F, L718F.
Identifiers: ClinVar variation 3488679 (VCV003488679.4).

ClinVar aggregate classification (germline): Uncertain significance. Review status: criteria provided, multiple submitters, no conflicts (2 of 4 stars). 3 submissions from 3 submitters: Uncertain significance (3). Last evaluated 2024-11-14.

Conditions:
Hereditary diffuse gastric adenocarcinoma (HDGC). Also called: DIFFUSE GASTRIC AND LOBULAR BREAST CANCER SYNDROME. Identifiers: Orphanet 26106, MedGen C1708349, MONDO:0007648, OMIM 137215.
Hereditary cancer-predisposing syndrome. Also called: Tumor predisposition; Neoplastic Syndromes, Hereditary; Hereditary Cancer Syndrome; Hereditary neoplastic syndrome. Identifiers: Orphanet 140162, MedGen C0027672, MeSH D009386, MONDO:0015356.

Submissions (3):

Ambry Genetics
Classification: Uncertain significance for Hereditary cancer-predisposing syndrome. Last evaluated: 2024-11-14. Review status: criteria provided, single submitter. Criteria: Ambry Variant Classification Scheme 2023. Collection method: clinical testing. Allele origin: germline.
Comment: The p.L718F variant (also known as c.2152C>T), located in coding exon 13 of the CDH1 gene, results from a C to T substitution at nucleotide position 2152. The leucine at codon 718 is replaced by phenylalanine, an amino acid with highly similar properties. This amino acid position is conserved. In addition, the in silico prediction for this alteration is inconclusive. Based on the available evidence, the clinical significance of this variant remains unclear.

Labcorp Genetics (formerly Invitae), Labcorp
Classification: Uncertain significance for Hereditary diffuse gastric adenocarcinoma. Last evaluated: 2024-11-11. Review status: criteria provided, single submitter. Criteria: Invitae Variant Classification Sherloc (09022015). Collection method: clinical testing. Allele origin: germline.
Comment: This sequence change replaces leucine, which is neutral and non-polar, with phenylalanine, which is neutral and non-polar, at codon 718 of the CDH1 protein (p.Leu718Phe). This variant is not present in population databases (gnomAD no frequency). This variant has not been reported in the literature in individuals affected with CDH1-related conditions. An algorithm developed to predict the effect of missense changes on protein structure and function (PolyPhen-2) suggests that this variant is likely to be disruptive. In summary, the available evidence is currently insufficient to determine the role of this variant in disease. Therefore, it has been classified as a Variant of Uncertain Significance.

Blueprint Genetics
Classification: Uncertain significance. Last evaluated: 2024-02-21. Review status: criteria provided, single submitter. Criteria: ACMG Guidelines, 2015. Collection method: clinical testing. Allele origin: germline.